The following is an entry in ClinVar:

NM_172364.5(CACNA2D4):c.415G>A (p.Glu139Lys)

Gene: CACNA2D4 (calcium voltage-gated channel auxiliary subunit alpha2delta 4; minus strand). Cytogenetic location: 12p13.33.
Variant type: single nucleotide variant.
Coding change: c.415G>A on transcript NM_172364.5 (MANE Select); coding-DNA position 415, G replaced by A.
Protein change: p.Glu139Lys; replaces glutamic acid 139 with lysine.
Molecular consequence: missense variant.
Genome position (GRCh38, 1-based): chr12:1,913,034, C>T on the plus strand (G>A on the coding strand, the complement: CACNA2D4 is on the minus strand). VCF-style: chr12-1913034-C-T. GRCh37 (hg19) VCF-style: chr12-2022200-C-T.
Other names: c.415G>A (NM_172364.4); short protein forms E139K.
Identifiers: ClinVar variation 1909781 (VCV001909781.7), dbSNP rs759939564, ClinGen allele CA6387554.

ClinVar aggregate classification (germline): Uncertain significance. Review status: criteria provided, multiple submitters, no conflicts (2 of 4 stars). 3 submissions from 3 submitters: Uncertain significance (3). Last evaluated 2025-10-22.

Conditions:
Inborn genetic diseases. Identifiers: MedGen C0950123, MeSH D030342.

Allele frequency attached by ClinVar (database versions not stated): ExAC 0.00003; gnomAD exomes 0.00003.
gnomAD v4.1: 41 of 1,611,970 alleles (0.0025%); highest among the groups gnomAD compares: East Asian, 0.0045%; no homozygotes.

Submissions (3):

Ambry Genetics
Classification: Uncertain significance for Inborn genetic diseases. Last evaluated: 2025-10-22. Review status: criteria provided, single submitter. Criteria: Ambry Variant Classification Scheme 2023. Collection method: clinical testing. Allele origin: germline.

Labcorp Genetics (formerly Invitae), Labcorp
Classification: Uncertain significance. Last evaluated: 2025-03-17. Review status: criteria provided, single submitter. Criteria: Invitae Variant Classification Sherloc (09022015). Collection method: clinical testing. Allele origin: germline.
Comment: This sequence change replaces glutamic acid, which is acidic and polar, with lysine, which is basic and polar, at codon 139 of the CACNA2D4 protein (p.Glu139Lys). This variant is present in population databases (rs759939564, gnomAD 0.007%). This variant has not been reported in the literature in individuals affected with CACNA2D4-related conditions. ClinVar contains an entry for this variant (Variation ID: 1909781). An algorithm developed to predict the effect of missense changes on protein structure and function (PolyPhen-2) suggests that this variant is likely to be tolerated. In summary, the available evidence is currently insufficient to determine the role of this variant in disease. Therefore, it has been classified as a Variant of Uncertain Significance.

Blueprint Genetics
Classification: Uncertain significance. Last evaluated: 2024-07-02. Review status: criteria provided, single submitter. Criteria: ACMG Guidelines, 2015. Collection method: clinical testing. Allele origin: germline.